The following is an entry in ClinVar:

ClinVar aggregate classification (germline): Likely pathogenic (1 of 4 stars; one submission).

Conditions:
Short-rib thoracic dysplasia 14 with polydactyly (SRTD14). Identifiers: Orphanet 397715, MedGen C4225286, MONDO:0014688, OMIM 616546.
Joubert syndrome 23 (JBTS23). Identifiers: Orphanet 475, MedGen C4084822, MONDO:0014664, OMIM 616490.

Submission:

Labcorp Genetics (formerly Invitae), Labcorp
Classification: Likely pathogenic for Joubert syndrome 23; Short-rib thoracic dysplasia 14 with polydactyly. Last evaluated: 2019-05-14. Review status: criteria provided, single submitter. Criteria: Invitae Variant Classification Sherloc (09022015). Collection method: clinical testing. Allele origin: germline.
Comment: This variant results in a copy number gain of the genomic region encompassing exons 9-10 of the KIAA0586 gene. While the exact position of this variant cannot be determined from this data, sub-genic copy number gains are generally in tandem (PMID: 25640679) and may result in an absent or disrupted protein product. This variant has not been reported in the literature in individuals with KIAA0586-related conditions. Loss-of-function variants in KIAA0586 are known to be pathogenic (PMID: 26096313, 26166481, 26386044). In summary, the currently available evidence indicates that the variant is pathogenic, but additional data are needed to prove that conclusively. Therefore, this variant has been classified as Likely Pathogenic.

Literature cited by the submitters: PubMed 25640679; PubMed 26096313; PubMed 26166481; PubMed 26386044.

NC_000014.9:g.(?_58448320)_(58450766_?)dup

Gene: KIAA0586 (KIAA0586; plus strand). Cytogenetic location: 14q23.1.
Variant type: Duplication.
Identifiers: ClinVar variation 832765 (VCV000832765.5).